The following is an entry in ClinVar:

NM_139027.6(ADAMTS13):c.284C>T (p.Ala95Val)

Gene: ADAMTS13 (ADAM metallopeptidase with thrombospondin type 1 motif 13; plus strand). Cytogenetic location: 9q34.2.
Variant type: single nucleotide variant.
Coding change: c.284C>T on transcript NM_139027.6 (MANE Select); coding-DNA position 284, C replaced by T.
Protein change: p.Ala95Val; replaces alanine 95 with valine.
Molecular consequence: missense variant. On other transcripts: non-coding transcript variant (1).
Genome position (GRCh38, 1-based): chr9:133,424,432, C>T. VCF-style: chr9-133424432-C-T. GRCh37 (hg19) VCF-style: chr9-136289552-C-T.
Other names: p.Ala95Val; c.284C>T, p.Ala95Val (NM_139025.5, NM_139026.6); short protein forms A95V.
Identifiers: ClinVar variation 4541496 (VCV004541496.1).

ClinVar aggregate classification (germline): Uncertain significance (1 of 4 stars; one submission).

Submission:

Mayo Clinic Laboratories, Mayo Clinic
Classification: Uncertain significance. Last evaluated: 2025-05-27. Review status: criteria provided, single submitter. Criteria: ACMG Guidelines, 2015. Collection method: clinical testing. Allele origin: germline. Observed: 1 variant allele.
Comment: BP4_moderate